The following is an entry in ClinVar:

ClinVar aggregate classification (germline): Uncertain significance. Review status: criteria provided, multiple submitters, no conflicts (2 of 4 stars). 4 submissions from 4 submitters: Uncertain significance (3). 1 of the submissions does not count toward it. Last evaluated 2025-12-19.

Conditions:
Hereditary cancer-predisposing syndrome. Also called: Neoplastic Syndromes, Hereditary; Tumor predisposition; Hereditary Cancer Syndrome; Hereditary neoplastic syndrome. Identifiers: Orphanet 140162, MedGen C0027672, MeSH D009386, MONDO:0015356.
Neuroblastoma, susceptibility to, 3. Also called: ALK-Related Neuroblastic Tumor Susceptibility. Identifiers: Orphanet 635, MedGen C2751681, MONDO:0013083, OMIM 613014.

Allele frequency attached by ClinVar (database versions not stated): gnomAD exomes below 0.00001 and 0.00001; TOPMed below 0.00001; gnomAD 0.00001.
gnomAD v4.1: 4 of 1,613,876 alleles (0.00025%); highest among the groups gnomAD compares: Non-Finnish European, 0.00034%; no homozygotes.

Submissions (4):

Ambry Genetics
Classification: Uncertain significance for Hereditary cancer-predisposing syndrome. Last evaluated: 2025-12-19. Review status: criteria provided, single submitter. Criteria: Ambry Variant Classification Scheme 2023. Collection method: clinical testing. Allele origin: germline.
Comment: The p.I1250T variant (also known as c.3749T>C), located in coding exon 25 of the ALK gene, results from a T to C substitution at nucleotide position 3749. The isoleucine at codon 1250 is replaced by threonine, an amino acid with similar properties. This alteration was observed in the germline of a individual with neuroblastoma who had at least one other relative with neuroblastoma; however, this alteration has also been observed in unaffected individuals (Moss&eacute; YP et al. Nature, 2008 Oct;455:930-5; Ambry internal data). Functional studies demonstrate that p.I1250T is inactivating and has the potential to act as a dominant-negative receptor; however, its association with disease is unclear (Sch&ouml;nherr C et al. Transl Oncol, 2011 Aug;4:258-65; Bresler SC et al. Cancer Cell, 2014 Nov;26:682-94; Ma Y et al. Oncogene, 2016 11;35:6132-6142). This amino acid position is highly conserved in available vertebrate species. In addition, this alteration is predicted to be deleterious by in silico analysis. Based on the available evidence, the clinical significance of this variant remains unclear.

Labcorp Genetics (formerly Invitae), Labcorp
Classification: Uncertain significance for Neuroblastoma, susceptibility to, 3. Last evaluated: 2024-11-30. Review status: criteria provided, single submitter. Criteria: Invitae Variant Classification Sherloc (09022015). Collection method: clinical testing. Allele origin: germline.
Comment: This sequence change replaces isoleucine, which is neutral and non-polar, with threonine, which is neutral and polar, at codon 1250 of the ALK protein (p.Ile1250Thr). This variant is present in population databases (rs113994092, gnomAD 0.002%). This missense change has been observed in individual(s) with neuroblastoma (PMID: 18724359). ClinVar contains an entry for this variant (Variation ID: 21867). An algorithm developed to predict the effect of missense changes on protein structure and function (PolyPhen-2) suggests that this variant is likely to be disruptive. Experimental studies have shown that this missense change affects ALK function (PMID: 21804922, 25517749). In summary, the available evidence is currently insufficient to determine the role of this variant in disease. Therefore, it has been classified as a Variant of Uncertain Significance.

Baylor Genetics
Classification: Uncertain significance for Neuroblastoma, susceptibility to, 3. Last evaluated: 2023-11-21. Review status: criteria provided, single submitter. Criteria: ACMG Guidelines, 2015. Collection method: clinical testing. Allele origin: unknown.

GeneReviews
No classification provided. Condition: Neuroblastoma, susceptibility to, 3. Review status: no classification provided. Collection method: literature only. Allele origin: germline. Not counted in ClinVar's aggregate classification.

Literature cited by the submitters: PubMed 18724359 (cited by 3 submitters); PubMed 21804922 (cited by Ambry Genetics and Labcorp Genetics (formerly Invitae), Labcorp); PubMed 24675991 (cited by Ambry Genetics); PubMed 25517749 (cited by Ambry Genetics and Labcorp Genetics (formerly Invitae), Labcorp); PubMed 27132509 (cited by Ambry Genetics); NCBI Bookshelf NBK24599 (cited by GeneReviews).

NM_004304.5(ALK):c.3749T>C (p.Ile1250Thr)

Gene: ALK (ALK receptor tyrosine kinase; minus strand). Cytogenetic location: 2p23.2.
Variant type: single nucleotide variant.
Coding change: c.3749T>C on transcript NM_004304.5 (MANE Select); coding-DNA position 3749, T replaced by C.
Protein change: p.Ile1250Thr; replaces isoleucine 1250 with threonine.
Molecular consequence: missense variant.
Genome position (GRCh38, 1-based): chr2:29,209,873, A>G on the plus strand (T>C on the coding strand, the complement: ALK is on the minus strand). VCF-style: chr2-29209873-A-G. GRCh37 (hg19) VCF-style: chr2-29432739-A-G.
Other names: c.545T>C, p.Ile182Thr (NM_001353765.2); short protein forms I1250T, I182T.
Identifiers: ClinVar variation 21867 (VCV000021867.17), dbSNP rs113994092, ClinGen allele CA342585.
Genomic context (GRCh38, chr2:29,209,873, plus strand): 5'-TCTCCAATCTTGGCCACTCTTCCAGGGCCTGGACAGGTCAAGAGGCAGTTTCTGGCAGCA[A>G]TGTCTCTGGGAAGAAAGGAAATGCATTTCCTAATTTTATCCCTAGGAAGATGAGTGTACA-3'
Protein context (NP_004295.2, residues 1240-1260): LEENHFIHRD[Ile1250Thr]AARNCLLTCP